The following is an entry in ClinVar:

ClinVar aggregate classification (germline): Benign. Review status: criteria provided, multiple submitters, no conflicts (2 of 4 stars). 3 submissions from 3 submitters: Benign (3). Last evaluated 2021-10-14.

Conditions:
Progressive sclerosing poliodystrophy (MTDPS4A). Also called: Alpers-Huttenlocher Syndrome (AHS); Alpers Syndrome; ALPERS PROGRESSIVE INFANTILE POLIODYSTROPHY; Mitochondrial DNA depletion syndrome 4A (Alpers type); ALPERS DIFFUSE DEGENERATION OF CEREBRAL GRAY MATTER WITH HEPATIC CIRRHOSIS; Alpers-Huttenlocher Syndrome. Identifiers: Orphanet 726, MedGen C0205710, MONDO:0008758, OMIM 203700.

Allele frequency attached by ClinVar (database versions not stated): gnomAD exomes 0.00182 and 0.00480; ExAC 0.00593; 1000 Genomes Project 0.01617; 1000 Genomes Project 30x 0.01765; gnomAD 0.01838 and 0.01987; TOPMed 0.02128; ESP Exome Variant Server 0.02254.
gnomAD v4.1: 5,564 of 1,608,758 alleles (0.35%); highest among the groups gnomAD compares: African/African-American, 6.5%; 149 homozygotes.

Submissions (3):

Mayo Clinic Laboratories, Mayo Clinic
Classification: Benign. Last evaluated: 2021-10-14. Review status: criteria provided, single submitter. Criteria: ACMG Guidelines, 2015. Collection method: clinical testing. Allele origin: germline. Observed: 18 variant alleles.

Wong Mito Lab, Molecular and Human Genetics, Baylor College of Medicine
Classification: Benign for Progressive sclerosing poliodystrophy. Last evaluated: 2018-10-01. Review status: criteria provided, single submitter. Criteria: ACMG Guidelines, 2015. Collection method: clinical testing. Allele origin: germline.
Comment: The NM_002693.2:c.1950-21C>T (NP_002684.1:p.=) [GRCH38: NC_000015.10:g.89324248G>A] variant in POLG gene is interpretated to be a Benign based on ACMG guidelines (PMID: 25741868). This variant meets the following evidence codes reported in the ACMG-guideline. BS1:The minor allele frequency of this allele is high for Mitochondrial DNA depletion syndrome 4A (Alpers type). BS2:Observation of the variant in controls is inconsistent with penetrance of Mitochondrial DNA depletion syndrome 4A (Alpers type). BP4:Computational evidence/predictors indicate no impact on the POLG structure, function, or protein-protein interaction. Based on the evidence criteria codes applied, the variant is suggested to be Benign.

Breakthrough Genomics
Classification: Benign. Review status: criteria provided, single submitter. Criteria: ACMG Guidelines, 2015. Collection method: not provided. Allele origin: germline. Inheritance: Autosomal recessive inheritance. Affected: yes.

Literature cited by the submitters: PubMed 38465286 (cited by Mayo Clinic Laboratories, Mayo Clinic).

NM_002693.3(POLG):c.1950-21C>T

Gene: POLG (DNA polymerase gamma, catalytic subunit; minus strand). Cytogenetic location: 15q26.1.
Variant type: single nucleotide variant.
Coding change: c.1950-21C>T on transcript NM_002693.3 (MANE Select); 21 bases into the intron before coding-DNA position 1950, C replaced by T.
Molecular consequence: intron variant.
Genome position (GRCh38, 1-based): chr15:89,324,248, G>A on the plus strand (C>T on the coding strand, the complement: POLG is on the minus strand). VCF-style: chr15-89324248-G-A. GRCh37 (hg19) VCF-style: chr15-89867479-G-A.
Other names: p.?; c.1950-21C>T (NM_001126131.2).
Identifiers: ClinVar variation 619384 (VCV000619384.3), dbSNP rs2307452, ClinGen allele CA7724640.